The following is an entry in ClinVar:

NM_001374736.1(DST):c.18583C>T (p.Arg6195Cys)

Gene: DST (dystonin; minus strand). Cytogenetic location: 6p12.1.
Variant type: single nucleotide variant.
Coding change: c.18583C>T on transcript NM_001374736.1 (MANE Select); coding-DNA position 18583, C replaced by T.
Protein change: p.Arg6195Cys; replaces arginine 6195 with cysteine.
Molecular consequence: missense variant.
Genome position (GRCh38, 1-based): chr6:56,511,394, G>A on the plus strand (C>T on the coding strand, the complement: DST is on the minus strand). VCF-style: chr6-56511394-G-A. GRCh37 (hg19) VCF-style: chr6-56376192-G-A.
Other names: c.12226C>T, p.Arg4076Cys (NM_001144769.5); c.11812C>T, p.Arg3938Cys (NM_001144770.2); c.18583C>T, p.Arg6195Cys (NM_001374722.1); c.17623C>T, p.Arg5875Cys (NM_001374729.1); c.11365C>T, p.Arg3789Cys (NM_001374730.1); c.18610C>T, p.Arg6204Cys (NM_001374734.1); c.11692C>T, p.Arg3898Cys (NM_001386100.1, NM_183380.4); c.10714C>T, p.Arg3572Cys (NM_015548.5); short protein forms R3572C, R6195C, R3789C, R3898C, R3938C, R5875C, R4076C, R6204C.
Identifiers: ClinVar variation 1753348 (VCV001753348.2), dbSNP rs759807550, ClinGen allele CA3867185.

ClinVar aggregate classification (germline): Uncertain significance (1 of 4 stars; one submission).

Conditions:
Inborn genetic diseases. Identifiers: MedGen C0950123, MeSH D030342.

Allele frequency attached by ClinVar (database versions not stated): gnomAD exomes below 0.00001; gnomAD 0.00001; ExAC 0.00002.
gnomAD v4.1: 7 of 1,599,658 alleles (0.00044%); highest among the groups gnomAD compares: South Asian, 0.0023%; no homozygotes.

Submission:

Ambry Genetics
Classification: Uncertain significance for Inborn genetic diseases. Last evaluated: 2021-12-07. Review status: criteria provided, single submitter. Criteria: Ambry Variant Classification Scheme 2023. Collection method: clinical testing. Allele origin: germline.
Comment: The p.R4076C variant (also known as c.12226C>T), located in coding exon 67 of the DST gene, results from a C to T substitution at nucleotide position 12226. The arginine at codon 4076 is replaced by cysteine, an amino acid with highly dissimilar properties. This amino acid position is highly conserved in available vertebrate species. In addition, the in silico prediction for this alteration is inconclusive. Since supporting evidence is limited at this time, the clinical significance of this alteration remains unclear.